The following is an entry in ClinVar:

NM_032638.5(GATA2):c.1161_1166del (p.Met388_Lys389del)

Gene: GATA2 (GATA binding protein 2; minus strand). Cytogenetic location: 3q21.3.
Variant type: Deletion.
Coding change: c.1161_1166del on transcript NM_032638.5 (MANE Select); coding-DNA positions 1161 to 1166, 6 bases deleted (CATGAA; older notation c.1161_1166delCATGAA).
Protein change: p.Met388_Lys389del.
Genome position (GRCh38, 1-based): chr3:128,481,296-128,481,301, TTCATG deleted on the plus strand (CATGAA on the coding strand, the reverse complement: GATA2 is on the minus strand). VCF-style (leftmost placement, unchanged base first): chr3-128481295-CTTCATG-C. GRCh37 (hg19) VCF-style: chr3-128200138-CTTCATG-C.
Other names: c.1161_1166del, p.Met388_Lys389del (NM_001145661.2); c.1119_1124del, p.Met374_Lys375del (NM_001145662.1).
Identifiers: ClinVar variation 4786634 (VCV004786634.1).

ClinVar aggregate classification (germline): Uncertain significance (1 of 4 stars; one submission).

Conditions:
Monocytopenia with susceptibility to infections. Also called: MONOCYTOPENIA AND MYCOBACTERIAL INFECTION SYNDROME; MONOCYTOPENIA WITH SUSCEPTIBILITY TO MYCOBACTERIAL, FUNGAL, AND PAPILLOMAVIRUS INFECTIONS AND MYELODYSPLASIA; COMBINED IMMUNODEFICIENCY WITH SUSCEPTIBILITY TO MYCOBACTERIAL, VIRAL, AND FUNGAL INFECTIONS; Dendritic cell, monocyte, B lymphocyte, and natural killer lymphocyte deficiency; IMMUNODEFICIENCY 21; GATA2 DEFICIENCY. Identifiers: Orphanet 228423, MedGen C3280030, MONDO:0013607, OMIM 614172.
Deafness-lymphedema-leukemia syndrome. Also called: Lymphedema, primary, with myelodysplasia; Emberger syndrome. Identifiers: Orphanet 3226, MedGen C3279664, MONDO:0013540, OMIM 614038.

Submission:

Labcorp Genetics (formerly Invitae), Labcorp
Classification: Uncertain significance for Monocytopenia with susceptibility to infections; Deafness-lymphedema-leukemia syndrome. Last evaluated: 2025-11-12. Review status: criteria provided, single submitter. Criteria: Invitae Variant Classification Sherloc (09022015). Collection method: clinical testing. Allele origin: germline.
Comment: This variant, c.1161_1166del, results in the deletion of two amino acid(s) of the GATA2 protein (p.Met388_Lys389del), but otherwise preserves the integrity of the reading frame. This variant is not present in population databases (gnomAD no frequency). This variant has not been reported in the literature in individuals affected with GATA2-related conditions. Experimental studies and prediction algorithms are not available or were not evaluated, and the functional significance of this variant is currently unknown. In summary, the available evidence is currently insufficient to determine the role of this variant in disease. Therefore, it has been classified as a Variant of Uncertain Significance.